The following is an entry in ClinVar:

NM_153704.6(TMEM67):c.2662-1G>A

Gene: TMEM67 (transmembrane protein 67; plus strand). Cytogenetic location: 8q22.1.
Variant type: single nucleotide variant.
Coding change: c.2662-1G>A on transcript NM_153704.6 (MANE Select); the canonical splice acceptor site of the intron before coding-DNA position 2662, G replaced by A.
Molecular consequence: splice acceptor variant.
Genome position (GRCh38, 1-based): chr8:93,809,784, G>A. VCF-style: chr8-93809784-G-A. GRCh37 (hg19) VCF-style: chr8-94822012-G-A.
Other names: c.2419-1G>A (NM_001142301.1).
Identifiers: ClinVar variation 4792343 (VCV004792343.1).

ClinVar aggregate classification (germline): Likely pathogenic (1 of 4 stars; one submission).

Conditions:
Meckel-Gruber syndrome. Also called: GRUBER SYNDROME; DYSENCEPHALIA SPLANCHNOCYSTICA; Dysencephalia splachnocystica. Identifiers: Orphanet 564, MedGen C0265215, MONDO:0018921.
Joubert syndrome. Also called: Familial aplasia of the vermis; JOUBERT-BOLTSHAUSER SYNDROME; CEREBELLOPARENCHYMAL DISORDER IV. Identifiers: Orphanet 475, MedGen C5979921, MONDO:0018772.

gnomAD v4.1: 2 of 1,505,180 alleles (0.00013%); highest among the groups gnomAD compares: African/African-American, 0.0028%; no homozygotes.

Submission:

Labcorp Genetics (formerly Invitae), Labcorp
Classification: Likely pathogenic for Joubert syndrome; Meckel-Gruber syndrome. Last evaluated: 2025-12-25. Review status: criteria provided, single submitter. Criteria: Invitae Variant Classification Sherloc (09022015). Collection method: clinical testing. Allele origin: germline.
Comment: This sequence change affects an acceptor splice site in intron 25 of the TMEM67 gene. It is expected to disrupt RNA splicing. Variants that disrupt the donor or acceptor splice site typically lead to a loss of protein function (PMID: 16199547), and loss-of-function variants in TMEM67 are known to be pathogenic (PMID: 20232449, 23559409). This variant is present in population databases (no rsID available, gnomAD 0.01%). This variant has not been reported in the literature in individuals affected with TMEM67-related conditions. Algorithms developed to predict the effect of sequence changes on RNA splicing suggest that this variant may disrupt the consensus splice site. In summary, the currently available evidence indicates that the variant is pathogenic, but additional data are needed to prove that conclusively. Therefore, this variant has been classified as Likely Pathogenic.

Literature cited by the submitters: PubMed 16199547; PubMed 20232449; PubMed 23559409.